The following is an entry in ClinVar:

NM_001163809.2(WDR81):c.3040G>T (p.Gly1014Cys)

Gene: WDR81 (WD repeat domain 81; plus strand). Cytogenetic location: 17p13.3.
Variant type: single nucleotide variant.
Coding change: c.3040G>T on transcript NM_001163809.2 (MANE Select); coding-DNA position 3040, G replaced by T.
Protein change: p.Gly1014Cys; replaces glycine 1014 with cysteine.
Molecular consequence: missense variant. On other transcripts: 5 prime UTR variant (1), intron variant (2).
Genome position (GRCh38, 1-based): chr17:1,727,999, G>T. VCF-style: chr17-1727999-G-T. GRCh37 (hg19) VCF-style: chr17-1631293-G-T.
Other names: c.-114G>T (NM_152348.4); c.59-2381G>T (NM_001163673.2); c.-14-2381G>T (NM_001163811.2); short protein forms G1014C.
Identifiers: ClinVar variation 2600384 (VCV002600384.4), dbSNP rs555413396, ClinGen allele CA8273162.

ClinVar aggregate classification (germline): Uncertain significance. Review status: criteria provided, multiple submitters, no conflicts (2 of 4 stars). 2 submissions from 2 submitters: Uncertain significance (2). Last evaluated 2025-08-23.

Conditions:
Inborn genetic diseases. Identifiers: MedGen C0950123, MeSH D030342.

Allele frequency attached by ClinVar (database versions not stated): gnomAD exomes 0.00003; ExAC 0.00023; gnomAD 0.00030; 1000 Genomes Project 30x 0.00031; TOPMed 0.00032; 1000 Genomes Project 0.00040.
gnomAD v4.1: 85 of 1,550,836 alleles (0.0055%); highest among the groups gnomAD compares: African/African-American, 0.11%; no homozygotes.

Submissions (2):

Ambry Genetics
Classification: Uncertain significance for Inborn genetic diseases. Last evaluated: 2025-08-23. Review status: criteria provided, single submitter. Criteria: Ambry Variant Classification Scheme 2023. Collection method: clinical testing. Allele origin: germline.

GeneDx
Classification: Uncertain significance. Last evaluated: 2023-09-12. Review status: criteria provided, single submitter. Criteria: GeneDx Variant Classification Process June 2021. Collection method: clinical testing. Allele origin: germline. Affected: yes.
Comment: In silico analysis supports that this missense variant has a deleterious effect on protein structure/function; Has not been previously published as pathogenic or benign to our knowledge